The following is an entry in ClinVar:

ClinVar aggregate classification (germline): Conflicting classifications of pathogenicity. Review status: criteria provided, conflicting classifications (1 of 4 stars). 3 submissions from 3 submitters: Pathogenic (1); Uncertain significance (1). 1 of the submissions does not count toward it. Last evaluated 2025-08-21.

Conditions:
Hyperuricemia, pulmonary hypertension, renal failure, alkalosis syndrome (HUPRAS). Also called: HYPERURICEMIA, PULMONARY HYPERTENSION, RENAL FAILURE, AND ALKALOSIS SYNDROME; HUPRA SYNDROME. Identifiers: Orphanet 363694, MedGen C3151209, MONDO:0013458, OMIM 613845.

Allele frequency attached by ClinVar (database versions not stated): gnomAD 0.00001; gnomAD exomes 0.00001; ExAC 0.00002; TOPMed 0.00002; ESP Exome Variant Server 0.00015.
gnomAD v4.1: 100 of 1,613,932 alleles (0.0062%); highest among the groups gnomAD compares: Non-Finnish European, 0.0083%; no homozygotes.

Submissions (3):

Labcorp Genetics (formerly Invitae), Labcorp
Classification: Pathogenic. Last evaluated: 2025-08-21. Review status: criteria provided, single submitter. Criteria: Invitae Variant Classification Sherloc (09022015). Collection method: clinical testing. Allele origin: germline.
Comment: This sequence change replaces arginine, which is basic and polar, with histidine, which is basic and polar, at codon 402 of the SARS2 protein (p.Arg402His). This variant is present in population databases (rs370842354, gnomAD 0.007%). This missense change has been observed in individuals with clinical features of hyperuricemia, pulmonary hypertension, renal failure, and alkalosis (HUPRA) syndrome (PMID: 24034276, 33751860, 33972171, 34407605, 38326069). It has also been observed to segregate with disease in related individuals. ClinVar contains an entry for this variant (Variation ID: 978825). An algorithm developed to predict the effect of missense changes on protein structure and function (PolyPhen-2) suggests that this variant is likely to be disruptive. For these reasons, this variant has been classified as Pathogenic.

Fulgent Genetics
Classification: Uncertain significance for Hyperuricemia, pulmonary hypertension, renal failure, alkalosis syndrome. Last evaluated: 2022-01-11. Review status: criteria provided, single submitter. Criteria: ACMG Guidelines, 2015. Collection method: clinical testing. Allele origin: unknown.

OMIM
Classification: Pathogenic for HYPERURICEMIA, PULMONARY HYPERTENSION, RENAL FAILURE, AND ALKALOSIS SYNDROME. Last evaluated: 2020-09-29. Review status: no assertion criteria provided. Collection method: literature only. Allele origin: germline. Not counted in ClinVar's aggregate classification.

Literature cited by the submitters: PubMed 24034276 (cited by Labcorp Genetics (formerly Invitae), Labcorp and OMIM); PubMed 33751860 (cited by Labcorp Genetics (formerly Invitae), Labcorp); PubMed 33972171 (cited by Labcorp Genetics (formerly Invitae), Labcorp); PubMed 34407605 (cited by Labcorp Genetics (formerly Invitae), Labcorp); PubMed 38326069 (cited by Labcorp Genetics (formerly Invitae), Labcorp).

NM_017827.4(SARS2):c.1205G>A (p.Arg402His)

Gene: SARS2 (seryl-tRNA synthetase 2, mitochondrial; minus strand). Cytogenetic location: 19q13.2.
Variant type: single nucleotide variant.
Coding change: c.1205G>A on transcript NM_017827.4 (MANE Select); coding-DNA position 1205, G replaced by A.
Protein change: p.Arg402His; replaces arginine 402 with histidine.
Molecular consequence: missense variant.
Genome position (GRCh38, 1-based): chr19:38,916,270, C>T on the plus strand (G>A on the coding strand, the complement: SARS2 is on the minus strand). VCF-style: chr19-38916270-C-T. GRCh37 (hg19) VCF-style: chr19-39406910-C-T.
Other names: c.1211G>A, p.Arg404His (NM_001145901.2); short protein forms R402H, R404H.
Identifiers: ClinVar variation 978825 (VCV000978825.8), dbSNP rs370842354, ClinGen allele CA9422836.